The following is an entry in ClinVar:

ClinVar aggregate classification (germline): Benign/Likely benign. Review status: criteria provided, multiple submitters, no conflicts (2 of 4 stars). 5 submissions from 5 submitters: Benign (3); Likely benign (2). Last evaluated 2026-01-29.

Conditions:
Primary ciliary dyskinesia 30. Also called: CILIARY DYSKINESIA, PRIMARY, 30, WITH OR WITHOUT SITUS INVERSUS. Identifiers: Orphanet 244, MedGen C4015016, MONDO:0014465, OMIM 616037.

Allele frequency attached by ClinVar (database versions not stated): 1000 Genomes Project 30x 0.00765; 1000 Genomes Project 0.00819; TOPMed 0.01019; ESP Exome Variant Server 0.01075; gnomAD 0.01113 and 0.01155; gnomAD exomes 0.01228 and 0.01404; ExAC 0.01256.
gnomAD v4.1: 22,250 of 1,614,060 alleles (1.4%); highest among the groups gnomAD compares: Non-Finnish European, 1.5%; 177 homozygotes.

Submissions (5):

Labcorp Genetics (formerly Invitae), Labcorp
Classification: Benign for Primary ciliary dyskinesia 30. Last evaluated: 2026-01-29. Review status: criteria provided, single submitter. Criteria: Invitae Variant Classification Sherloc (09022015). Collection method: clinical testing. Allele origin: germline.

ARUP Laboratories, Molecular Genetics and Genomics, ARUP Laboratories
Classification: Benign for Primary ciliary dyskinesia 30. Last evaluated: 2025-05-20. Review status: criteria provided, single submitter. Criteria: ARUP Molecular Germline Variant Investigation Process 2024. Collection method: clinical testing. Allele origin: germline.

Mayo Clinic Laboratories, Mayo Clinic
Classification: Benign. Last evaluated: 2023-04-27. Review status: criteria provided, single submitter. Criteria: ACMG Guidelines, 2015. Collection method: clinical testing. Allele origin: germline. Observed: 6 variant alleles.
Comment: BS1, BS2, BP4, BP7

GeneDx
Classification: Likely benign. Last evaluated: 2020-05-04. Review status: criteria provided, single submitter. Criteria: GeneDx Variant Classification Process June 2021. Collection method: clinical testing. Allele origin: germline. Affected: yes.

Breakthrough Genomics
Classification: Likely benign. Review status: criteria provided, single submitter. Criteria: ACMG Guidelines, 2015. Collection method: not provided. Allele origin: germline. Inheritance: Autosomal recessive inheritance. Affected: yes.

NM_145045.5(ODAD3):c.729C>T (p.Asn243=)

Gene: ODAD3 (outer dynein arm docking complex subunit 3; minus strand). Cytogenetic location: 19p13.2.
Variant type: single nucleotide variant.
Coding change: c.729C>T on transcript NM_145045.5 (MANE Select); coding-DNA position 729, C replaced by T.
Protein change: p.Asn243=; no amino-acid change (asparagine 243 retained).
Molecular consequence: synonymous variant.
Genome position (GRCh38, 1-based): chr19:11,426,557, G>A on the plus strand (C>T on the coding strand, the complement: ODAD3 is on the minus strand). VCF-style: chr19-11426557-G-A. GRCh37 (hg19) VCF-style: chr19-11537377-G-A.
Other names: p.Asn243=; c.567C>T, p.Asn189= (NM_001302453.1); c.549C>T, p.Asn183= (NM_001302454.2).
Identifiers: ClinVar variation 241946 (VCV000241946.23), dbSNP rs11879596, ClinGen allele CA9212276.